The following is an entry in ClinVar:

ClinVar aggregate classification (germline): Uncertain significance. Review status: criteria provided, multiple submitters, no conflicts (2 of 4 stars). 2 submissions from 2 submitters: Uncertain significance (2). Last evaluated 2021-06-13.

Allele frequency attached by ClinVar (database versions not stated): TOPMed 0.00001; gnomAD 0.00002 and 0.00003.
gnomAD v4.1: 4 of 1,155,926 alleles (0.00035%); highest among the groups gnomAD compares: Non-Finnish European, 0.00044%; no homozygotes.

Submissions (2):

Labcorp Genetics (formerly Invitae), Labcorp
Classification: Uncertain significance. Last evaluated: 2021-06-13. Review status: criteria provided, single submitter. Criteria: Invitae Variant Classification Sherloc (09022015). Collection method: clinical testing. Allele origin: germline.
Comment: In summary, the available evidence is currently insufficient to determine the role of this variant in disease. Therefore, it has been classified as a Variant of Uncertain Significance. Algorithms developed to predict the effect of missense changes on protein structure and function output the following: SIFT: "Tolerated"; PolyPhen-2: "Benign"; Align-GVGD: "Class C0". The phenylalanine amino acid residue is found in multiple mammalian species, suggesting that this missense change does not adversely affect protein function. These predictions have not been confirmed by published functional studies and their clinical significance is uncertain. This variant has not been reported in the literature in individuals with PROM1-related conditions. This variant is not present in population databases (ExAC no frequency). This sequence change replaces serine with phenylalanine at codon 733 of the PROM1 protein (p.Ser733Phe). The serine residue is moderately conserved and there is a large physicochemical difference between serine and phenylalanine.

Breakthrough Genomics
Classification: Uncertain significance. Review status: criteria provided, single submitter. Criteria: ACMG Guidelines, 2015. Collection method: not provided. Allele origin: germline. Inheritance: Autosomal recessive inheritance. Affected: yes.

NM_006017.3(PROM1):c.2198C>T (p.Ser733Phe)

Gene: PROM1 (prominin 1; minus strand). Cytogenetic location: 4p15.32.
Variant type: single nucleotide variant.
Coding change: c.2198C>T on transcript NM_006017.3 (MANE Select); coding-DNA position 2198, C replaced by T.
Protein change: p.Ser733Phe; replaces serine 733 with phenylalanine.
Molecular consequence: missense variant.
Genome position (GRCh38, 1-based): chr4:15,985,970, G>A on the plus strand (C>T on the coding strand, the complement: PROM1 is on the minus strand). VCF-style: chr4-15985970-G-A. GRCh37 (hg19) VCF-style: chr4-15987593-G-A.
Other names: c.2171C>T, p.Ser724Phe (NM_001145847.2, NM_001145848.2, NM_001145851.2 and 4 more transcripts); c.2198C>T, p.Ser733Phe (NM_001145849.2, NM_001145850.2); short protein forms S733F, S724F.
Identifiers: ClinVar variation 1495896 (VCV001495896.9), dbSNP rs767318720, ClinGen allele CA356428231.